The following is an entry in ClinVar:

NM_000528.4(MAN2B1):c.1238A>G (p.Asn413Ser)

Gene: MAN2B1 (mannosidase alpha class 2B member 1; minus strand). Cytogenetic location: 19p13.13.
Variant type: single nucleotide variant.
Coding change: c.1238A>G on transcript NM_000528.4 (MANE Select); coding-DNA position 1238, A replaced by G.
Protein change: p.Asn413Ser; replaces asparagine 413 with serine.
Molecular consequence: missense variant.
Genome position (GRCh38, 1-based): chr19:12,658,134, T>C on the plus strand (A>G on the coding strand, the complement: MAN2B1 is on the minus strand). VCF-style: chr19-12658134-T-C. GRCh37 (hg19) VCF-style: chr19-12768948-T-C.
Other names: c.1235A>G, p.Asn412Ser (NM_001173498.2); short protein forms N413S, N412S.
Identifiers: ClinVar variation 129584 (VCV000129584.38), dbSNP rs35836657, ClinGen allele CA153663.

ClinVar aggregate classification (germline): Benign/Likely benign. Review status: criteria provided, multiple submitters, no conflicts (2 of 4 stars). 11 submissions from 11 submitters: Benign (7); Likely benign (1). 3 of the submissions do not count toward it. Last evaluated 2026-02-04.

Conditions:
Deficiency of alpha-mannosidase (MANSA). Also called: Alpha-Mannosidosis; Mannosidosis, alpha-, types I and II; LYSOSOMAL ALPHA-D-MANNOSIDASE DEFICIENCY. Identifiers: Orphanet 61, MedGen C0024748, MONDO:0009561, OMIM 248500.

Allele frequency attached by ClinVar (database versions not stated): TOPMed 0.07434; gnomAD 0.08930 and 0.08577; gnomAD exomes 0.09008 and 0.10856; 1000 Genomes Project 0.03854; 1000 Genomes Project 30x 0.03810; ESP Exome Variant Server 0.08629; ExAC 0.09123.
gnomAD v4.1: 171,140 of 1,613,340 alleles (11%); highest among the groups gnomAD compares: Non-Finnish European, 12%; 10,669 homozygotes.

Submissions (11):

Labcorp Genetics (formerly Invitae), Labcorp
Classification: Benign for Deficiency of alpha-mannosidase. Last evaluated: 2026-02-04. Review status: criteria provided, single submitter. Criteria: Invitae Variant Classification Sherloc (09022015). Collection method: clinical testing. Allele origin: germline.

Blueprint Genetics
Classification: Likely benign. Last evaluated: 2024-11-28. Review status: criteria provided, single submitter. Criteria: ACMG Guidelines, 2015. Collection method: clinical testing. Allele origin: germline.

Genome-Nilou Lab
Classification: Benign for Deficiency of alpha-mannosidase. Last evaluated: 2021-06-10. Review status: criteria provided, single submitter. Criteria: ACMG Guidelines, 2015. Collection method: clinical testing. Allele origin: germline. Affected: no.

Illumina Laboratory Services, Illumina
Classification: Benign for Deficiency of alpha-mannosidase. Last evaluated: 2018-01-12. Review status: criteria provided, single submitter. Criteria: ICSL Variant Classification Criteria 13 December 2019. Collection method: clinical testing. Allele origin: germline.
Comment: This variant was observed in the ICSL laboratory as part of a predisposition screen in an ostensibly healthy population. It had not been previously curated by ICSL or reported in the Human Gene Mutation Database (HGMD: prior to June 1st, 2018), and was therefore a candidate for classification through an automated scoring system. Utilizing variant allele frequency, disease prevalence and penetrance estimates, and inheritance mode, an automated score was calculated to assess if this variant is too frequent to cause the disease. Based on the score and internal cut-off values, a variant classified as benign is not then subjected to further curation. The score for this variant resulted in a classification of benign for this disease.

GeneDx
Classification: Benign. Last evaluated: 2015-03-03. Review status: criteria provided, single submitter. Criteria: GeneDx Variant Classification Process June 2021. Collection method: clinical testing. Allele origin: germline. Affected: yes.

Eurofins Ntd Llc (ga)
Classification: Benign. Last evaluated: 2014-04-09. Review status: criteria provided, single submitter. Criteria: EGL Classification Definitions 2015. Collection method: clinical testing. Allele origin: germline. Observed: 8 variant alleles, 7 heterozygotes, 1 homozygote.

Breakthrough Genomics
Classification: Benign. Review status: criteria provided, single submitter. Criteria: ACMG Guidelines, 2015. Collection method: not provided. Allele origin: germline. Inheritance: Autosomal recessive inheritance. Affected: yes.

PreventionGenetics, part of Exact Sciences
Classification: Benign. Review status: criteria provided, single submitter. Criteria: ACMG Guidelines, 2015. Collection method: clinical testing. Allele origin: germline.

Natera, Inc.
Classification: Benign for Alpha-mannosidosis. Last evaluated: 2019-11-22. Review status: no assertion criteria provided. Collection method: clinical testing. Allele origin: germline. Not counted in ClinVar's aggregate classification.

Mayo Clinic Laboratories, Mayo Clinic
Classification: Benign. Last evaluated: 2015-10-20. Review status: no assertion criteria provided. Collection method: clinical testing. Allele origin: unknown. Not counted in ClinVar's aggregate classification.

Genetic Services Laboratory, University of Chicago
Classification: Likely benign for AllHighlyPenetrant. Review status: no assertion criteria provided. Collection method: clinical testing. Allele origin: germline. Inheritance: Autosomal recessive inheritance. Not counted in ClinVar's aggregate classification.
Comment: Likely benign based on allele frequency in 1000 Genomes Project or ESP global frequency and its presence in a patient with a rare or unrelated disease phenotype. NOT Sanger confirmed.